The following is an entry in ClinVar:

NM_002661.5(PLCG2):c.721G>A (p.Val241Ile)

Gene: PLCG2 (phospholipase C gamma 2; plus strand). Cytogenetic location: 16q23.3.
Variant type: single nucleotide variant.
Coding change: c.721G>A on transcript NM_002661.5 (MANE Select); coding-DNA position 721, G replaced by A.
Protein change: p.Val241Ile; replaces valine 241 with isoleucine.
Molecular consequence: missense variant.
Genome position (GRCh38, 1-based): chr16:81,883,297, G>A. VCF-style: chr16-81883297-G-A. GRCh37 (hg19) VCF-style: chr16-81916902-G-A.
Other names: short protein forms V241I.
Identifiers: ClinVar variation 843752 (VCV000843752.9), dbSNP rs1908182940, ClinGen allele CA396908222.

ClinVar aggregate classification (germline): Uncertain significance (1 of 4 stars; one submission).

Conditions:
Familial cold autoinflammatory syndrome 3 (FCAS3). Also called: FAMILIAL ATYPICAL COLD URTICARIA; ANTIBODY DEFICIENCY AND IMMUNE DYSREGULATION, PLCG2-ASSOCIATED. Identifiers: Orphanet 300359, MedGen C3280914, MONDO:0013766, OMIM 614468.

Allele frequency attached by ClinVar (database versions not stated): gnomAD exomes below 0.00001.

Submission:

Labcorp Genetics (formerly Invitae), Labcorp
Classification: Uncertain significance for Familial cold autoinflammatory syndrome 3. Last evaluated: 2025-03-18. Review status: criteria provided, single submitter. Criteria: Invitae Variant Classification Sherloc (09022015). Collection method: clinical testing. Allele origin: germline.
Comment: This sequence change replaces valine, which is neutral and non-polar, with isoleucine, which is neutral and non-polar, at codon 241 of the PLCG2 protein (p.Val241Ile). This variant is not present in population databases (gnomAD no frequency). This variant has not been reported in the literature in individuals affected with PLCG2-related conditions. ClinVar contains an entry for this variant (Variation ID: 843752). An algorithm developed to predict the effect of missense changes on protein structure and function outputs the following: PolyPhen-2: "Benign". The isoleucine amino acid residue is found in multiple mammalian species, which suggests that this missense change does not adversely affect protein function. In summary, the available evidence is currently insufficient to determine the role of this variant in disease. Therefore, it has been classified as a Variant of Uncertain Significance.